The following is an entry in ClinVar:

NM_152564.5(VPS13B):c.10874T>C (p.Val3625Ala)

Gene: VPS13B (vacuolar protein sorting 13 homolog B; plus strand). Cytogenetic location: 8q22.2.
Variant type: single nucleotide variant.
Coding change: c.10874T>C on transcript NM_152564.5 (MANE Select); coding-DNA position 10874, T replaced by C.
Protein change: p.Val3625Ala; replaces valine 3625 with alanine.
Molecular consequence: missense variant.
Genome position (GRCh38, 1-based): chr8:99,859,310, T>C. VCF-style: chr8-99859310-T-C. GRCh37 (hg19) VCF-style: chr8-100871538-T-C.
Other names: c.10949T>C, p.Val3650Ala (NM_017890.5); short protein forms V3625A, V3650A.
Identifiers: ClinVar variation 2817335 (VCV002817335.3), dbSNP rs1337233009, ClinGen allele CA371788586.

ClinVar aggregate classification (germline): Uncertain significance (1 of 4 stars; one submission).

Conditions:
Cohen syndrome (COH1). Also called: PEPPER SYNDROME; Cutis verticis gyrata, retinitis pigmentosa, and sensorineural deafness. Identifiers: Orphanet 193, MedGen C0265223, MONDO:0008999, OMIM 216550.

Submission:

Labcorp Genetics (formerly Invitae), Labcorp
Classification: Uncertain significance for Cohen syndrome. Last evaluated: 2023-03-02. Review status: criteria provided, single submitter. Criteria: Invitae Variant Classification Sherloc (09022015). Collection method: clinical testing. Allele origin: germline.
Comment: This variant has not been reported in the literature in individuals affected with VPS13B-related conditions. Advanced modeling of protein sequence and biophysical properties (such as structural, functional, and spatial information, amino acid conservation, physicochemical variation, residue mobility, and thermodynamic stability) performed at Invitae indicates that this missense variant is expected to disrupt VPS13B protein function. In summary, the available evidence is currently insufficient to determine the role of this variant in disease. Therefore, it has been classified as a Variant of Uncertain Significance. This variant is not present in population databases (gnomAD no frequency). This sequence change replaces valine, which is neutral and non-polar, with alanine, which is neutral and non-polar, at codon 3650 of the VPS13B protein (p.Val3650Ala).